The following is an entry in ClinVar:

NM_004985.5(KRAS):c.175_176delinsTT (p.Ala59Leu)

Gene: KRAS (KRAS proto-oncogene, GTPase; minus strand). Cytogenetic location: 12p12.1.
Variant type: Indel.
Coding change: c.175_176delinsTT on transcript NM_004985.5 (MANE Select); coding-DNA positions 175 to 176, GC replaced by TT.
Protein change: p.Ala59Leu; replaces alanine 59 with leucine.
Molecular consequence: missense variant.
Genome position (GRCh38, 1-based): chr12:25,227,348-25,227,349, GC replaced by AA on the plus strand (GC replaced by TT on the coding strand, the reverse complement: KRAS is on the minus strand). VCF-style: chr12-25227348-GC-AA. GRCh37 (hg19) VCF-style: chr12-25380282-GC-AA.
Other names: c.175_176delinsTT, p.Ala59Leu (NM_001369786.1, NM_001369787.1, NM_033360.4); short protein forms A59L.
Identifiers: ClinVar variation 2431456 (VCV002431456.1), dbSNP rs2548920539, ClinGen allele CA2580085354.

ClinVar aggregate classification (germline): Likely pathogenic (1 of 4 stars; one submission).

Conditions:
Cardiofaciocutaneous syndrome 2 (CFC2). Also called: KRAS-Related Cardiofaciocutaneous Syndrome. Identifiers: Orphanet 1340, MedGen C3809005, MONDO:0014112, OMIM 615278.

Submission:

Laboratorio de Genetica e Diagnostico Molecular, Hospital Israelita Albert Einstein
Classification: Likely pathogenic for Cardiofaciocutaneous syndrome 2. Last evaluated: 2022-04-22. Review status: criteria provided, single submitter. Criteria: ACMG Guidelines, 2015. Collection method: clinical testing. Allele origin: germline. Affected: yes. Observed: 1 variant allele.
Comment: ACMG classification criteria: PM2 moderated, PM5 strong, PP3 supporting